The following is an entry in ClinVar:

NM_001127649.3(PEX26):c.119A>C (p.Glu40Ala)

Gene: PEX26 (peroxisomal biogenesis factor 26; plus strand). Cytogenetic location: 22q11.21.
Variant type: single nucleotide variant.
Coding change: c.119A>C on transcript NM_001127649.3 (MANE Select); coding-DNA position 119, A replaced by C.
Protein change: p.Glu40Ala; replaces glutamic acid 40 with alanine.
Molecular consequence: missense variant.
Genome position (GRCh38, 1-based): chr22:18,078,495, A>C. VCF-style: chr22-18078495-A-C. GRCh37 (hg19) VCF-style: chr22-18561261-A-C.
Other names: c.119A>C, p.Glu40Ala (NM_001199319.2, NM_017929.6); c.119A>C (NM_017929.5); short protein forms E40A.
Identifiers: ClinVar variation 501510 (VCV000501510.11), dbSNP rs1158271855, ClinGen allele CA410264684.

ClinVar aggregate classification (germline): Uncertain significance. Review status: criteria provided, multiple submitters, no conflicts (2 of 4 stars). 4 submissions from 4 submitters: Uncertain significance (4). Last evaluated 2024-11-05.

Conditions:
Peroxisome biogenesis disorder 7B (PBD7B). Identifiers: Orphanet 44, MedGen C3553951, MONDO:0013939, OMIM 614873.
Peroxisome biogenesis disorder 7A (Zellweger). Also called: Peroxisome biogenesis disorder 7A. Identifiers: Orphanet 912, MedGen C3888385, MONDO:0013938, OMIM 614872.
Inborn genetic diseases. Identifiers: MedGen C0950123, MeSH D030342.

Allele frequency attached by ClinVar (database versions not stated): gnomAD exomes below 0.00001.
gnomAD v4.1: 5 of 1,570,956 alleles (0.00032%); highest among the groups gnomAD compares: African/African-American, 0.004%; no homozygotes.

Submissions (4):

Labcorp Genetics (formerly Invitae), Labcorp
Classification: Uncertain significance for Peroxisome biogenesis disorder 7A (Zellweger); Peroxisome biogenesis disorder 7B. Last evaluated: 2024-11-05. Review status: criteria provided, single submitter. Criteria: Invitae Variant Classification Sherloc (09022015). Collection method: clinical testing. Allele origin: germline.
Comment: This sequence change replaces glutamic acid, which is acidic and polar, with alanine, which is neutral and non-polar, at codon 40 of the PEX26 protein (p.Glu40Ala). This variant is not present in population databases (gnomAD no frequency). This variant has not been reported in the literature in individuals affected with PEX26-related conditions. ClinVar contains an entry for this variant (Variation ID: 501510). Invitae Evidence Modeling of protein sequence and biophysical properties (such as structural, functional, and spatial information, amino acid conservation, physicochemical variation, residue mobility, and thermodynamic stability) has been performed for this missense variant. However, the output from this modeling did not meet the statistical confidence thresholds required to predict the impact of this variant on PEX26 protein function. In summary, the available evidence is currently insufficient to determine the role of this variant in disease. Therefore, it has been classified as a Variant of Uncertain Significance.

Blueprint Genetics
Classification: Uncertain significance. Last evaluated: 2024-09-23. Review status: criteria provided, single submitter. Criteria: ACMG Guidelines, 2015. Collection method: clinical testing. Allele origin: germline.

Ambry Genetics
Classification: Uncertain significance for Inborn genetic diseases. Last evaluated: 2021-08-09. Review status: criteria provided, single submitter. Criteria: Ambry Variant Classification Scheme 2023. Collection method: clinical testing. Allele origin: germline.

Eurofins Ntd Llc (ga)
Classification: Uncertain significance. Last evaluated: 2018-09-06. Review status: criteria provided, single submitter. Criteria: EGL ClinVar v180209 classification definitions. Collection method: clinical testing. Allele origin: germline. Observed: 2 variant alleles, 2 heterozygotes.